The following is an entry in ClinVar:

ClinVar aggregate classification (germline): Benign/Likely benign. Review status: criteria provided, multiple submitters, no conflicts (2 of 4 stars). 17 submissions from 16 submitters: Benign (10); Likely benign (5). 2 of the submissions do not count toward it. Last evaluated 2026-01-27.

Conditions:
Cardiovascular phenotype. Identifiers: MedGen CN230736.
Cardiomyopathy (CMYO). Also called: Cardiomyopathies. Identifiers: Orphanet 167848, MedGen C0878544, MONDO:0004994, HP:0001638. Inheritance: Various modes of inheritance.
Hypertrophic cardiomyopathy 6. Identifiers: MedGen C1833236, MONDO:0010946, OMIM 600858.
Lethal congenital glycogen storage disease of heart. Also called: GLYCOGEN STORAGE DISEASE OF HEART; PHOSPHORYLASE KINASE DEFICIENCY OF HEART. Identifiers: Orphanet 439854, MedGen C1849813, MONDO:0009867, OMIM 261740.
Wolff-Parkinson-White pattern. Also called: WPW SYNDROME; Auriculoventricular accessory pathway syndrome; False bundle branch block syndrome; Anomalous ventricular excitation syndrome. Identifiers: MONDO:0008685, OMIM 194200, HP:0001716, MedGen C0043202.
Hypertrophic cardiomyopathy. Also called: HYPERTROPHIC MYOCARDIOPATHY. Identifiers: Orphanet 217569, MedGen C0007194, MeSH D002312, MONDO:0005045, HP:0001639.

Allele frequency attached by ClinVar (database versions not stated): gnomAD exomes 0.00015 and 0.00035; ExAC 0.00053; ESP Exome Variant Server 0.00131; gnomAD 0.00140 and 0.00150; TOPMed 0.00144; 1000 Genomes Project 30x 0.00328; 1000 Genomes Project 0.00359.
gnomAD v4.1: 450 of 1,614,148 alleles (0.028%); highest among the groups gnomAD compares: African/African-American, 0.52%; no homozygotes.

Submissions (17):

Labcorp Genetics (formerly Invitae), Labcorp
Classification: Benign for Lethal congenital glycogen storage disease of heart. Last evaluated: 2026-01-27. Review status: criteria provided, single submitter. Criteria: Invitae Variant Classification Sherloc (09022015). Collection method: clinical testing. Allele origin: germline.

Molecular Diagnostic Laboratory for Inherited Cardiovascular Disease, Montreal Heart Institute
Classification: Benign. Last evaluated: 2025-04-09. Review status: criteria provided, single submitter. Criteria: ACMG Guidelines, 2015. Collection method: clinical testing. Allele origin: germline. Affected: no.

Blueprint Genetics
Classification: Likely benign. Last evaluated: 2024-11-04. Review status: criteria provided, single submitter. Criteria: ACMG Guidelines, 2015. Collection method: clinical testing. Allele origin: germline.

All of Us Research Program, National Institutes of Health
Classification: Benign for Hypertrophic cardiomyopathy. Last evaluated: 2024-02-05. Review status: criteria provided, single submitter. Criteria: ACMG Guidelines, 2015. Collection method: clinical testing. Allele origin: germline. Inheritance: Autosomal dominant inheritance. Observed: 70 variant alleles, 70 heterozygotes.
Comment: This study involves interpretation of variants in research participants for the purpose of population health screening. Participant phenotype was not available at the time of variant classification. Additional details can be found in publication PMID: 35346344, PMCID: PMC8962531

CHEO Genetics Diagnostic Laboratory, Children's Hospital of Eastern Ontario
Classification: Benign for Cardiomyopathy. Last evaluated: 2023-02-08. Review status: criteria provided, single submitter. Criteria: ACMG Guidelines, 2015. Collection method: clinical testing. Allele origin: germline. Study: Canadian Open Genetics Repository.

ARUP Laboratories, Molecular Genetics and Genomics, ARUP Laboratories
Classification: Likely benign. Last evaluated: 2022-12-21. Review status: criteria provided, single submitter. Criteria: ARUP Molecular Germline Variant Investigation Process 2024. Collection method: clinical testing. Allele origin: germline.

Women's Health and Genetics/Laboratory Corporation of America, LabCorp
Classification: Benign. Last evaluated: 2020-01-19. Review status: criteria provided, single submitter. Criteria: LabCorp Variant Classification Summary - May 2015. Collection method: clinical testing. Allele origin: germline.

Color Diagnostics, LLC DBA Color Health
Classification: Benign for Cardiomyopathy. Last evaluated: 2018-10-15. Review status: criteria provided, single submitter. Criteria: ACMG Guidelines, 2015. Collection method: clinical testing. Allele origin: germline.

Illumina Laboratory Services, Illumina
Classification: Likely benign for Hypertrophic cardiomyopathy 6. Last evaluated: 2018-01-12. Review status: criteria provided, single submitter. Criteria: ICSL Variant Classification Criteria 13 December 2019. Collection method: clinical testing. Allele origin: germline.
Comment: This variant was observed in the ICSL laboratory as part of a predisposition screen in an ostensibly healthy population. It had not been previously curated by ICSL or reported in the Human Gene Mutation Database (HGMD: prior to June 1st, 2018), and was therefore a candidate for classification through an automated scoring system. Utilizing variant allele frequency, disease prevalence and penetrance estimates, and inheritance mode, an automated score was calculated to assess if this variant is too frequent to cause the disease. Based on the score and internal cut-off values, a variant classified as likely benign is not then subjected to further curation. The score for this variant resulted in a classification of likely benign for this disease.

Illumina Laboratory Services, Illumina
Classification: Likely benign for Wolff-Parkinson-White pattern. Last evaluated: 2018-01-12. Review status: criteria provided, single submitter. Criteria: ICSL Variant Classification Criteria 13 December 2019. Collection method: clinical testing. Allele origin: germline.
Comment: the same text as in the submission from Illumina Laboratory Services, Illumina above.

Ambry Genetics
Classification: Benign for Cardiovascular phenotype. Last evaluated: 2014-12-08. Review status: criteria provided, single submitter. Criteria: Ambry Variant Classification Scheme 2023. Collection method: clinical testing. Allele origin: germline.

GeneDx
Classification: Benign. Last evaluated: 2014-09-12. Review status: criteria provided, single submitter. Criteria: GeneDx Variant Classification (06012015). Collection method: clinical testing. Allele origin: germline. Affected: yes.
Comment: This variant is considered likely benign or benign based on one or more of the following criteria: it is a conservative change, it occurs at a poorly conserved position in the protein, it is predicted to be benign by multiple in silico algorithms, and/or has population frequency not consistent with disease.

Laboratory for Molecular Medicine, Mass General Brigham Personalized Medicine
Classification: Benign. Last evaluated: 2012-04-03. Review status: criteria provided, single submitter. Criteria: LMM Criteria. Collection method: clinical testing. Allele origin: germline. Observed: 6 variant alleles.
Comment: Thr568Thr in exon 16 of PRKAG2: This variant is not expected to have clinical significance because it does not alter an amino acid residue, is not located wit hin the splice consensus sequence, and it has been identified in 0.45% (17/3738) of African American chromosomes from a broad population by the NHLBI Exome Sequ encing Project (dbSNP rs138167675)

Breakthrough Genomics
Classification: Likely benign. Review status: criteria provided, single submitter. Criteria: ACMG Guidelines, 2015. Collection method: not provided. Allele origin: germline. Inheritance: Autosomal dominant inheritance. Affected: yes.

PreventionGenetics, part of Exact Sciences
Classification: Benign. Review status: criteria provided, single submitter. Criteria: ACMG Guidelines, 2015. Collection method: clinical testing. Allele origin: germline.

Clinical Genetics DNA and cytogenetics Diagnostics Lab, Erasmus MC, Erasmus Medical Center
Classification: Likely benign. Review status: no assertion criteria provided. Collection method: clinical testing. Allele origin: germline. Affected: yes. Study: VKGL Data-share Consensus. Not counted in ClinVar's aggregate classification.

Clinical Genetics, Academic Medical Center
Classification: Benign. Review status: no assertion criteria provided. Collection method: clinical testing. Allele origin: germline. Affected: yes. Study: VKGL Data-share Consensus. Not counted in ClinVar's aggregate classification.

NM_016203.4(PRKAG2):c.1704G>A (p.Thr568=)

Gene: PRKAG2 (protein kinase AMP-activated non-catalytic subunit gamma 2; minus strand). Cytogenetic location: 7q36.1.
Variant type: single nucleotide variant.
Coding change: c.1704G>A on transcript NM_016203.4 (MANE Select); coding-DNA position 1704, G replaced by A.
Protein change: p.Thr568=; no amino-acid change (threonine 568 retained).
Molecular consequence: synonymous variant.
Genome position (GRCh38, 1-based): chr7:151,557,207, C>T on the plus strand (G>A on the coding strand, the complement: PRKAG2 is on the minus strand). VCF-style: chr7-151557207-C-T. GRCh37 (hg19) VCF-style: chr7-151254293-C-T.
Other names: p.T568T:ACG>ACA; c.1572G>A, p.Thr524= (NM_001040633.2); c.1329G>A, p.Thr443= (NM_001304527.2); c.981G>A, p.Thr327= (NM_001304531.2, NM_024429.2); c.1332G>A, p.Thr444= (NM_001363698.2).
Identifiers: ClinVar variation 45706 (VCV000045706.36), dbSNP rs138167675, ClinGen allele CA013992.
Genomic context (GRCh38, chr7:151,557,207, plus strand): 5'-TGACCCAGAGACTTTGTTCAAGTTCTCCTCCTAGGGCGTCTACATTCACGGCGGTCACTC[C>T]GTTTCTGTCTCCTTTTGTTTGGCACCTGTCAGTGGATGGAAGATGAAAGTTTCAAAGCTC-3'
Protein context (NP_057287.2, residues 558-569): PAGAKQKETE[Thr568=]E